The following is an entry in ClinVar:

ClinVar aggregate classification (germline): Uncertain significance. Review status: criteria provided, single submitter (1 of 4 stars). 2 submissions from 2 submitters: Uncertain significance (1). 1 of the submissions does not count toward it. Last evaluated 2022-02-17.

Conditions:
Leber congenital amaurosis (LCA). Also called: Leber's amaurosis. Identifiers: Orphanet 65, MedGen C0339527, MeSH D057130, MONDO:0018998.
Leber congenital amaurosis 2 (LCA2). Also called: Autosomal Recessive RPE65-Related Retinal Degeneration; AMAUROSIS CONGENITA OF LEBER II. Identifiers: Orphanet 65, MedGen C1859844, MONDO:0008765, OMIM 204100. Disease mechanism: loss of function.
Retinitis pigmentosa 20 (RP20). Identifiers: Orphanet 791, MedGen C3151086, MONDO:0013425, OMIM 613794.

Submissions (2):

Labcorp Genetics (formerly Invitae), Labcorp
Classification: Uncertain significance for Leber congenital amaurosis 2; Retinitis pigmentosa 20. Last evaluated: 2022-02-17. Review status: criteria provided, single submitter. Criteria: Invitae Variant Classification Sherloc (09022015). Collection method: clinical testing. Allele origin: germline.
Comment: This sequence change replaces isoleucine, which is neutral and non-polar, with threonine, which is neutral and polar, at codon 98 of the RPE65 protein (p.Ile98Thr). This variant is not present in population databases (gnomAD no frequency). This variant has not been reported in the literature in individuals affected with RPE65-related conditions. ClinVar contains an entry for this variant (Variation ID: 1007093). Algorithms developed to predict the effect of missense changes on protein structure and function (SIFT, PolyPhen-2, Align-GVGD) all suggest that this variant is likely to be disruptive. In summary, the available evidence is currently insufficient to determine the role of this variant in disease. Therefore, it has been classified as a Variant of Uncertain Significance.

Natera, Inc.
Classification: Uncertain significance for Leber congenital amaurosis. Last evaluated: 2021-06-08. Review status: no assertion criteria provided. Collection method: clinical testing. Allele origin: germline. Not counted in ClinVar's aggregate classification.

NM_000329.3(RPE65):c.293T>C (p.Ile98Thr)

Gene: RPE65 (retinoid isomerohydrolase RPE65; minus strand). Cytogenetic location: 1p31.3.
Variant type: single nucleotide variant.
Coding change: c.293T>C on transcript NM_000329.3 (MANE Select); coding-DNA position 293, T replaced by C.
Protein change: p.Ile98Thr; replaces isoleucine 98 with threonine.
Molecular consequence: missense variant.
Genome position (GRCh38, 1-based): chr1:68,444,836, A>G on the plus strand (T>C on the coding strand, the complement: RPE65 is on the minus strand). VCF-style: chr1-68444836-A-G. GRCh37 (hg19) VCF-style: chr1-68910519-A-G.
Other names: short protein forms I98T.
Identifiers: ClinVar variation 1007093 (VCV001007093.7), dbSNP rs1645930635, ClinGen allele CA340748334.